The following is an entry in ClinVar:

ClinVar aggregate classification (germline): Uncertain significance (1 of 4 stars; one submission).

Conditions:
Early-onset Lafora body disease. Also called: Epilepsy, progressive myoclonic, 10. Identifiers: Orphanet 324290, MedGen C4225258, MONDO:0014717, OMIM 616640.

Submission:

Labcorp Genetics (formerly Invitae), Labcorp
Classification: Uncertain significance for Early-onset Lafora body disease. Last evaluated: 2019-10-11. Review status: criteria provided, single submitter. Criteria: Invitae Variant Classification Sherloc (09022015). Collection method: clinical testing. Allele origin: germline.
Comment: This variant, c.1767_1787del, results in the deletion of 7 amino acid(s) of the PRDM8 protein (p.Ala592_Ala598del), but otherwise preserves the integrity of the reading frame. The frequency data for this variant in the population databases is considered unreliable, as metrics indicate insufficient coverage at this position in the ExAC database. This variant has not been reported in the literature in individuals with PRDM8-related conditions. Experimental studies and prediction algorithms are not available or were not evaluated, and the functional significance of this variant is currently unknown. In summary, the available evidence is currently insufficient to determine the role of this variant in disease. Therefore, it has been classified as a Variant of Uncertain Significance.

NM_001099403.2(PRDM8):c.1767_1787del (p.Ala592_Ala598del)

Gene: PRDM8 (PR/SET domain 8; plus strand). Cytogenetic location: 4q21.21.
Variant type: Deletion.
Coding change: c.1767_1787del on transcript NM_001099403.2 (MANE Select); coding-DNA positions 1767 to 1787, 21 bases deleted (TGCAGCCGCGGCTGCGGCGGC).
Protein change: p.Ala592_Ala598del.
Molecular consequence: inframe deletion.
Genome position (GRCh38, 1-based): chr4:80,203,229-80,203,249, TGCAGCCGCGGCTGCGGCGGC deleted; deleting any 21 consecutive bases within chr4:80,203,227-80,203,249 gives the same sequence; the c. name uses the placement nearest the transcript's 3' end. VCF-style (leftmost placement, unchanged base first): chr4-80203226-CGCTGCAGCCGCGGCTGCGGCG-C. GRCh37 (hg19) VCF-style: chr4-81124380-CGCTGCAGCCGCGGCTGCGGCG-C.
Other names: c.1767_1787del, p.Ala592_Ala598del (NM_020226.4).
Identifiers: ClinVar variation 956276 (VCV000956276.9), dbSNP rs1738710271, ClinGen allele CA1139658541.